The following is an entry in ClinVar:

NM_001034116.2(EIF2B4):c.825C>A (p.Asn275Lys)

Genes: EIF2B4 (eukaryotic translation initiation factor 2B subunit delta; minus strand), GTF3C2-AS2 (GTF3C2 antisense RNA 2; plus strand). Cytogenetic location: 2p23.3.
Variant type: single nucleotide variant.
Coding change: c.825C>A on transcript NM_001034116.2 (MANE Select); coding-DNA position 825, C replaced by A.
Protein change: p.Asn275Lys; replaces asparagine 275 with lysine.
Molecular consequence: missense variant.
Genome position (GRCh38, 1-based): chr2:27,367,517, G>T on the plus strand (C>A on the coding strand, the complement: EIF2B4 is on the minus strand). VCF-style: chr2-27367517-G-T. GRCh37 (hg19) VCF-style: chr2-27590384-G-T.
Other names: c.888C>A, p.Asn296Lys (NM_001318965.2); c.780C>A, p.Asn260Lys (NM_001318966.2); c.732C>A, p.Asn244Lys (NM_001318967.2); c.240C>A, p.Asn80Lys (NM_001318968.2); c.207C>A, p.Asn69Lys (NM_001318969.2); c.822C>A, p.Asn274Lys (NM_015636.4); c.885C>A, p.Asn295Lys (NM_172195.4); short protein forms N296K, N274K, N275K, N69K, N244K, N80K, N260K, N295K.
Identifiers: ClinVar variation 1514794 (VCV001514794.8), dbSNP rs149782530, ClinGen allele CA346199254.
Genomic context (GRCh38, chr2:27,367,517, plus strand): 5'-CTCCTCTTCCCGCTTGGAACTGCCCACACTGGTGATTTCCTTGTTAAGGAACTTGATGGC[G>T]TTGTGCATGCTCGCTGACAGGGGACGGCACTGAGTCAGGAAGCTATAATACAACAGCAAT-3'
Protein context (NP_001029288.1, residues 265-285): QCRPLSASMH[Asn275Lys]AIKFLNKEIT

ClinVar aggregate classification (germline): Uncertain significance (1 of 4 stars; one submission).

gnomAD v4.1: 5 of 1,613,928 alleles (0.00031%); highest among the groups gnomAD compares: Non-Finnish European, 0.00034%; no homozygotes.

Submission:

Labcorp Genetics (formerly Invitae), Labcorp
Classification: Uncertain significance. Last evaluated: 2022-06-27. Review status: criteria provided, single submitter. Criteria: Invitae Variant Classification Sherloc (09022015). Collection method: clinical testing. Allele origin: germline.
Comment: In summary, the available evidence is currently insufficient to determine the role of this variant in disease. Therefore, it has been classified as a Variant of Uncertain Significance. Algorithms developed to predict the effect of missense changes on protein structure and function (SIFT, PolyPhen-2, Align-GVGD) all suggest that this variant is likely to be disruptive. This variant has not been reported in the literature in individuals affected with EIF2B4-related conditions. This variant is not present in population databases (gnomAD no frequency). This sequence change replaces asparagine, which is neutral and polar, with lysine, which is basic and polar, at codon 274 of the EIF2B4 protein (p.Asn274Lys).